The following is an entry in ClinVar:

NM_004004.6(GJB2):c.365A>T (p.Lys122Ile)

Gene: GJB2 (gap junction protein beta 2; minus strand). Cytogenetic location: 13q12.11.
Variant type: single nucleotide variant.
Coding change: c.365A>T on transcript NM_004004.6 (MANE Select); coding-DNA position 365, A replaced by T.
Protein change: p.Lys122Ile; replaces lysine 122 with isoleucine.
Molecular consequence: missense variant.
Genome position (GRCh38, 1-based): chr13:20,189,217, T>A on the plus strand (A>T on the coding strand, the complement: GJB2 is on the minus strand). VCF-style: chr13-20189217-T-A. GRCh37 (hg19) VCF-style: chr13-20763356-T-A.
Other names: short protein forms K122I.
Identifiers: ClinVar variation 44742 (VCV000044742.39), dbSNP rs111033295, ClinGen allele CA172230.

ClinVar aggregate classification (germline): Pathogenic/Likely pathogenic. Review status: criteria provided, multiple submitters, no conflicts (2 of 4 stars). 19 submissions from 18 submitters: Pathogenic (10); Likely pathogenic (6). 3 of the submissions do not count toward it. Last evaluated 2026-03-06.

Conditions:
Rare genetic deafness. Identifiers: Orphanet 96210, MedGen C5680250.
GJB2-related disorder. Also called: GJB2-related condition; GJB2-related disorders. Identifiers: MedGen CN382183, MONDO:1060236.
Hearing loss. Identifiers: MedGen C3887873.
Inborn genetic diseases. Identifiers: MedGen C0950123, MeSH D030342.
Ichthyosis, hystrix-like, with hearing loss. Also called: Hystrix-like ichthyosis with deafness. Identifiers: Orphanet 477, MedGen C1865234, MONDO:0011245.
Palmoplantar keratoderma-deafness syndrome. Also called: Keratoderma palmoplantar, with deafness; Palmoplantar keratoderma and sensorineural deafness; Hereditary palmoplantar keratoderma with deafness (subtype); Focal palmoplantar keratoderma with sensorineural deafness (subtype); Diffuse palmoplantar keratoderma with deafness (subtype). Identifiers: Orphanet 2202, MedGen C1835672, MONDO:0007852, OMIM 148350.
Knuckle pads, deafness AND leukonychia syndrome. Also called: Bart-Pumphrey syndrome. Identifiers: Orphanet 2698, MedGen C0266004, MONDO:0007866, OMIM 149200.
Mutilating keratoderma (VOWNKL). Also called: Keratoderma hereditarium mutilans. Identifiers: Orphanet 494, MedGen C0265964, MONDO:0007422, OMIM 124500.
Autosomal recessive nonsyndromic hearing loss 1A (DFNB1A). Also called: Connexin 26 deafness; Deafness nonsyndromic, Connexin 26 linked; GJB6-Related DFNB 1 Nonsyndromic Hearing Loss and Deafness; Deafness, autosomal recessive 1A; Nonsyndromic Hearing Loss and Deafness, DFNB1; GJB2-Related Autosomal Recessive Nonsyndromic Hearing Loss. Identifiers: Orphanet 90636, MedGen C2673759, MONDO:0009076, OMIM 220290.
Autosomal dominant keratitis-ichthyosis-hearing loss syndrome. Also called: Senter syndrome; KID SYNDROME, AUTOSOMAL DOMINANT; HID SYNDROME. Identifiers: Orphanet 477, MedGen C0265336, MONDO:0007850, OMIM 148210.
Autosomal dominant nonsyndromic hearing loss 3A. Identifiers: Orphanet 90635, MedGen C2675750, MONDO:0011103, OMIM 601544.
Hearing impairment. Also called: Impaired Hearing. Identifiers: MedGen C1384666, MONDO:0005365, HP:0000365.

Allele frequency attached by ClinVar (database versions not stated): gnomAD exomes 0.00006; gnomAD 0.00001; ExAC 0.00005.
gnomAD v4.1: 16 of 1,613,712 alleles (0.00099%); highest among the groups gnomAD compares: Admixed American, 0.027%; no homozygotes.

Submissions 1 to 8 of 19:

PreventionGenetics, part of Exact Sciences
Classification: Likely pathogenic for GJB2-related condition. Last evaluated: 2026-03-06. Review status: criteria provided, single submitter. Criteria: ACMG Guidelines, 2015. Collection method: clinical testing. Allele origin: germline.
Comment: The GJB2 c.365A>T variant is predicted to result in the amino acid substitution p.Lys122Ile. This variant has been reported with a second causative GJB2 variant in individuals with hearing loss (see, for example: Green et al. 1999. PubMed ID: 10376574; Lee et al. 2009. PubMed ID: 19235794; de la Luz Arenas-Sordo et al. 2012. PubMed ID: 22925408). It has also been reported in affected individuals who do not carry a second potentially causative variant in GJB2, although no evidence supporting dominant inheritance was presented (see, for example: Tang et al. 2006. PubMed ID: 17041943; Naghavi et al. 2008. PubMed ID: 18776652; Tayoun et al. 2015. PubMed ID: 26444186). This variant is reported in 0.043% of alleles in individuals of Latino descent in gnomAD. In the context of autosomal dominant hearing loss this variant is interpreted as uncertain, while for autosomal recessive hearing loss this variant is interpreted as likely pathogenic.

Labcorp Genetics (formerly Invitae), Labcorp
Classification: Pathogenic. Last evaluated: 2026-01-31. Review status: criteria provided, single submitter. Criteria: Invitae Variant Classification Sherloc (09022015). Collection method: clinical testing. Allele origin: germline.
Comment: This sequence change replaces lysine, which is basic and polar, with isoleucine, which is neutral and non-polar, at codon 122 of the GJB2 protein (p.Lys122Ile). This variant is present in population databases (rs111033295, gnomAD 0.04%). This missense change has been observed in individual(s) with clinical features of autosomal recessive nonsyndromic deafness (PMID: 10376574, 22925408, 31160754; internal data). In at least one individual the data is consistent with being in trans (on the opposite chromosome) from a pathogenic variant. ClinVar contains an entry for this variant (Variation ID: 44742). Invitae Evidence Modeling of protein sequence and biophysical properties (such as structural, functional, and spatial information, amino acid conservation, physicochemical variation, residue mobility, and thermodynamic stability) has been performed for this missense variant. However, the output from this modeling did not meet the statistical confidence thresholds required to predict the impact of this variant on GJB2 protein function. For these reasons, this variant has been classified as Pathogenic.

Natera, Inc.
Classification: Likely pathogenic for Autosomal recessive deafness type 1A. Last evaluated: 2025-09-30. Review status: criteria provided, single submitter. Criteria: Natera Variant Classification Schema (03/2026). Collection method: clinical testing. Allele origin: germline.
Comment: The c.365A>T variant in GJB2 is a missense variant predicted to cause substitution of lysine to isoleucine at amino acid 122. This variant is rare in the general population with a frequency below the threshold expected for the associated phenotype(s). This variant has been observed in one or more individuals affected with the associated recessive disease, as either homozygous or compound heterozygous with a second variant (PMID: 22925408, 19235794, 17666888, 12408072, 31160754). This variant has been observed in affected individual(s) with monoallelic occurrence (heterozygous/hemizygous) (PMID: 26444186, 18776652, 17041943, 16222667, 15365987, 12865758). Computational prediction algorithms indicate this variant is likely to affect gene or protein function. Given the available evidence, this variant is classified as Likely Pathogenic.

Variantyx, Inc.
Classification: Likely pathogenic for Autosomal recessive nonsyndromic hearing loss 1A. Last evaluated: 2025-07-09. Review status: criteria provided, single submitter. Criteria: Variantyx Assertion Criteria 2022. Collection method: clinical testing. Allele origin: germline. Inheritance: Autosomal recessive inheritance. Affected: yes.
Comment: This is a nonsynonymous variant in the GJB2 gene (OMIM: 121011). Pathogenic variants in this gene have been associated with autosomal recessive deafness 1A. This variant has been reported in the homozygous or compound heterozygous state in several unrelated affected individuals (PMID: 11102979, 17666888, 12408072, 31160754, 19235794, 10376574, 22925408) (PM3_Strong). Multiple computational algorithms predict a deleterious effect for this variant (REVEL score: 0.847) (PP3). This variant has a 0.0267% maximum allele frequency in non-founder control populations (PM2).

GeneDx
Classification: Likely pathogenic. Last evaluated: 2024-09-04. Review status: criteria provided, single submitter. Criteria: GeneDx Variant Classification Process June 2021. Collection method: clinical testing. Allele origin: germline. Affected: yes.
Comment: In silico analysis supports that this missense variant has a deleterious effect on protein structure/function; This variant is associated with the following publications: (PMID: 26275501, 25447126, 12865758, 10751669, 10376574, 25388846, 16125251, 22925408, 32003480, 17041943, 15365987, 11102979, 19235794, 17666888, 19081147, 18368581, 16222667, 12408072, 18776652, 10980526, 12067629, 26444186, 12457340, 30708180, 10704187, 31160754, 38855775, 34645491, 36048236)

Fulgent Genetics
Classification: Pathogenic for Mutilating keratoderma; Autosomal dominant keratitis-ichthyosis-hearing loss syndrome; Palmoplantar keratoderma-deafness syndrome; Knuckle pads, deafness AND leukonychia syndrome; Autosomal recessive nonsyndromic hearing loss 1A; Autosomal dominant nonsyndromic hearing loss 3A. Last evaluated: 2024-04-07. Review status: criteria provided, single submitter. Criteria: ACMG Guidelines, 2015. Collection method: clinical testing. Allele origin: germline.

Ambry Genetics
Classification: Pathogenic for Inborn genetic diseases. Last evaluated: 2022-11-30. Review status: criteria provided, single submitter. Criteria: Ambry Variant Classification Scheme 2023. Collection method: clinical testing. Allele origin: germline.
Comment: The c.365A>T (p.K122I) alteration is located in exon 2 (coding exon 1) of the GJB2 gene. This alteration results from an A to T substitution at nucleotide position 365, causing the lysine (K) at amino acid position 122 to be replaced by an isoleucine (I)._x000D_ _x000D_ Based on the available evidence, the GJB2 c.365A>T (p.K122I) alteration is classified as pathogenic for autosomal recessive GJB2-related nonsyndromic hearing loss; however, its clinical significance for autosomal dominant GJB2-related nonsyndromic hearing loss and GJB2-related syndromic hearing loss with ectodermal involvement is unclear. Based on data from gnomAD, the T allele has an overall frequency of 0.006% (15/250324) total alleles studied. The highest observed frequency was 0.043% (15/34582) of Latino alleles. This variant has been identified with a second GJB2 variant in multiple individuals with hearing loss (Green, 1999; Putcha, 2007; Lee, 2009; de la Luz Arenas-Sordo, 2012; Shen, 2019). This variant has also been reported in the absence of a second GJB2 alteration in multiple heterozygous individuals with hearing loss (Azaiez, 2004; Cheng, 2005; Tang, 2006; Naghavi, 2008; Tayoun, 2016). This amino acid position is highly conserved in available vertebrate species. The in silico prediction for this alteration is inconclusive. Based on the available evidence, this alteration is classified as pathogenic.

Blueprint Genetics
Classification: Pathogenic for GJB2-related disorders. Last evaluated: 2022-09-28. Review status: criteria provided, single submitter. Criteria: ACMG Guidelines, 2015. Collection method: clinical testing. Allele origin: germline. Affected: yes. Observed: 4 variant alleles.